The following is an entry in ClinVar:

ClinVar aggregate classification (germline): Likely benign. Review status: criteria provided, multiple submitters, no conflicts (2 of 4 stars). 2 submissions from 2 submitters: Likely benign (2). Last evaluated 2025-01-02.

gnomAD v4.1: 15 of 1,613,054 alleles (0.00093%); highest among the groups gnomAD compares: Non-Finnish European, 0.0013%; no homozygotes.

Submissions (2):

Labcorp Genetics (formerly Invitae), Labcorp
Classification: Likely benign. Last evaluated: 2025-01-02. Review status: criteria provided, single submitter. Criteria: Invitae Variant Classification Sherloc (09022015). Collection method: clinical testing. Allele origin: germline.

CeGaT Center for Human Genetics Tuebingen
Classification: Likely benign. Last evaluated: 2024-09-01. Review status: criteria provided, single submitter. Criteria: CeGaT Center For Human Genetics Tuebingen Variant Classification Criteria Version 2. Collection method: clinical testing. Allele origin: germline. Affected: yes. Observed: 1 variant allele.
Comment: FAT4: BP4, BP7

NM_001291303.3(FAT4):c.3606T>C (p.Asp1202=)

Gene: FAT4 (FAT atypical cadherin 4; plus strand). Cytogenetic location: 4q28.1.
Variant type: single nucleotide variant.
Coding change: c.3606T>C on transcript NM_001291303.3 (MANE Select); coding-DNA position 3606, T replaced by C.
Protein change: p.Asp1202=; no amino-acid change (aspartic acid 1202 retained).
Molecular consequence: synonymous variant.
Genome position (GRCh38, 1-based): chr4:125,320,017, T>C. VCF-style: chr4-125320017-T-C. GRCh37 (hg19) VCF-style: chr4-126241172-T-C.
Other names: c.3606T>C, p.Asp1202= (NM_001291285.3, NM_024582.6).
Identifiers: ClinVar variation 3388190 (VCV003388190.16).